The following is an entry in ClinVar:

NM_002519.3(NPAT):c.4153T>A (p.Ser1385Thr)

Gene: NPAT (nuclear protein, coactivator of histone transcription; minus strand). Cytogenetic location: 11q22.3.
Variant type: single nucleotide variant.
Coding change: c.4153T>A on transcript NM_002519.3 (MANE Select); coding-DNA position 4153, T replaced by A.
Protein change: p.Ser1385Thr; replaces serine 1385 with threonine.
Molecular consequence: missense variant.
Genome position (GRCh38, 1-based): chr11:108,160,933, A>T on the plus strand (T>A on the coding strand, the complement: NPAT is on the minus strand). VCF-style: chr11-108160933-A-T. GRCh37 (hg19) VCF-style: chr11-108031660-A-T.
Other names: c.4174T>A, p.Ser1392Thr (NM_001321307.1); short protein forms S1392T, S1385T.
Identifiers: ClinVar variation 3001181 (VCV003001181.3), dbSNP rs770016139, ClinGen allele CA6263470.
Genomic context (GRCh38, chr11:108,160,933, plus strand): 5'-AACTTGCCTTAATTTTCTTCTTTTTCATTGGTATTGATGAATTTGTAAGATTTTTACTAG[A>T]AGGACGAGAGTTTCGCTCACGTTCATCTAATTCCTCAATTTTCCGCTTTTTTGTGGTGCT-3'
Protein context (NP_002510.2, residues 1375-1395): LDERERNSRP[Ser1385Thr]SKNLTNSSIP

ClinVar aggregate classification (germline): Uncertain significance (1 of 4 stars; one submission).

Allele frequency attached by ClinVar (database versions not stated): TOPMed below 0.00001; ExAC 0.00001; gnomAD exomes 0.00001.
gnomAD v4.1: 15 of 1,614,116 alleles (0.00093%); highest among the groups gnomAD compares: Non-Finnish European, 0.0013%; no homozygotes.

Submission:

Labcorp Genetics (formerly Invitae), Labcorp
Classification: Uncertain significance. Last evaluated: 2024-04-29. Review status: criteria provided, single submitter. Criteria: Invitae Variant Classification Sherloc (09022015). Collection method: clinical testing. Allele origin: germline.
Comment: This sequence change replaces serine, which is neutral and polar, with threonine, which is neutral and polar, at codon 1385 of the NPAT protein (p.Ser1385Thr). This variant is present in population databases (rs770016139, gnomAD 0.0009%). This variant has not been reported in the literature in individuals affected with NPAT-related conditions. An algorithm developed to predict the effect of missense changes on protein structure and function (PolyPhen-2) suggests that this variant is likely to be disruptive. In summary, the available evidence is currently insufficient to determine the role of this variant in disease. Therefore, it has been classified as a Variant of Uncertain Significance.